The following is an entry in ClinVar:

NM_004370.6(COL12A1):c.1178A>T (p.Asp393Val)

Gene: COL12A1 (collagen type XII alpha 1 chain; minus strand). Cytogenetic location: 6q13.
Variant type: single nucleotide variant.
Coding change: c.1178A>T on transcript NM_004370.6 (MANE Select); coding-DNA position 1178, A replaced by T.
Protein change: p.Asp393Val; replaces aspartic acid 393 with valine.
Molecular consequence: missense variant. On other transcripts: intron variant (1).
Genome position (GRCh38, 1-based): chr6:75,183,964, T>A on the plus strand (A>T on the coding strand, the complement: COL12A1 is on the minus strand). VCF-style: chr6-75183964-T-A. GRCh37 (hg19) VCF-style: chr6-75893680-T-A.
Other names: c.73+18756A>T (NM_080645.3); c.1178A>T (NM_004370.5); short protein forms D393V.
Identifiers: ClinVar variation 1055923 (VCV001055923.10), dbSNP rs1032545730, ClinGen allele CA141030596.

ClinVar aggregate classification (germline): Uncertain significance. Review status: criteria provided, multiple submitters, no conflicts (2 of 4 stars). 2 submissions from 2 submitters: Uncertain significance (2). Last evaluated 2022-09-19.

Conditions:
Inborn genetic diseases. Identifiers: MedGen C0950123, MeSH D030342.
Ullrich congenital muscular dystrophy 2 (UCMD2). Identifiers: Orphanet 75840, MedGen C4225314, MONDO:0014654, OMIM 616470.
Bethlem myopathy 2 (BTHLM2). Identifiers: Orphanet 536516, Orphanet 610, MedGen C4225313, MONDO:0034022, OMIM 616471.

Allele frequency attached by ClinVar (database versions not stated): TOPMed below 0.00001.

Submissions (2):

Ambry Genetics
Classification: Uncertain significance for Inborn genetic diseases. Last evaluated: 2022-09-19. Review status: criteria provided, single submitter. Criteria: Ambry Variant Classification Scheme 2023. Collection method: clinical testing. Allele origin: germline.

Labcorp Genetics (formerly Invitae), Labcorp
Classification: Uncertain significance for Bethlem myopathy 2; Ullrich congenital muscular dystrophy 2. Last evaluated: 2022-06-20. Review status: criteria provided, single submitter. Criteria: Invitae Variant Classification Sherloc (09022015). Collection method: clinical testing. Allele origin: germline.
Comment: This variant has not been reported in the literature in individuals affected with COL12A1-related conditions. This sequence change replaces aspartic acid, which is acidic and polar, with valine, which is neutral and non-polar, at codon 393 of the COL12A1 protein (p.Asp393Val). This variant is not present in population databases (gnomAD no frequency). ClinVar contains an entry for this variant (Variation ID: 1055923). Algorithms developed to predict the effect of missense changes on protein structure and function are either unavailable or do not agree on the potential impact of this missense change (SIFT: "Deleterious"; PolyPhen-2: "Probably Damaging"; Align-GVGD: "Class C0"). In summary, the available evidence is currently insufficient to determine the role of this variant in disease. Therefore, it has been classified as a Variant of Uncertain Significance.